The following is an entry in ClinVar:

NM_006734.4(HIVEP2):c.3412C>T (p.Gln1138Ter)

Gene: HIVEP2 (HIVEP zinc finger 2; minus strand). Cytogenetic location: 6q24.2.
Variant type: single nucleotide variant.
Coding change: c.3412C>T on transcript NM_006734.4 (MANE Select); coding-DNA position 3412, C replaced by T.
Protein change: p.Gln1138Ter; replaces glutamine 1138 with a stop codon.
Molecular consequence: nonsense.
Genome position (GRCh38, 1-based): chr6:142,771,327, G>A on the plus strand (C>T on the coding strand, the complement: HIVEP2 is on the minus strand). VCF-style: chr6-142771327-G-A. GRCh37 (hg19) VCF-style: chr6-143092464-G-A.
Other names: NP_006725.1:p.Gln1138Ter; short protein forms Q1138*.
Identifiers: ClinVar variation 3236242 (VCV003236242.2), dbSNP rs746033950, ClinGen allele CA365904165.

ClinVar aggregate classification (germline): Pathogenic. Review status: criteria provided, multiple submitters, no conflicts (2 of 4 stars). 2 submissions from 2 submitters: Pathogenic (2). Last evaluated 2023-10-17.

Conditions:
Intellectual developmental disorder, autosomal dominant 43. Also called: Intellectual disability, autosomal dominant 43. Identifiers: MedGen C4707429, MONDO:0014858, OMIM 616977.

Submissions (2):

MVZ Medizinische Genetik Mainz
Classification: Pathogenic for Intellectual developmental disorder, autosomal dominant 43. Last evaluated: 2023-10-17. Review status: criteria provided, single submitter. Criteria: UK Practice Guidelines For Variant Classification V4 01 2020. Collection method: clinical testing. Allele origin: germline. Inheritance: Autosomal dominant inheritance. Affected: yes. Observed: 1 variant allele.
Comment: ACMG Criteria: PVS1,PM2_SUP

Neonatal Department of Longyan Division, Tianjin Children's Hospital, Tianjin University Children's Hospital
Classification: Pathogenic for Intellectual developmental disorder, autosomal dominant 43. Last evaluated: 2021-11-02. Review status: criteria provided, single submitter. Criteria: ACMG Guidelines, 2015. Collection method: clinical testing. Allele origin: de novo. Affected: yes. Observed: 1 variant allele.
Comment: Nonsense variant (p.Q1138X) classified as pathogenic according to ACMG guidelines.